The following is an entry in ClinVar:

NM_004656.4(BAP1):c.1259G>A (p.Gly420Glu)

Gene: BAP1 (BRCA1 associated deubiquitinase 1; minus strand). Cytogenetic location: 3p21.1.
Variant type: single nucleotide variant.
Coding change: c.1259G>A on transcript NM_004656.4 (MANE Select); coding-DNA position 1259, G replaced by A.
Protein change: p.Gly420Glu; replaces glycine 420 with glutamic acid.
Molecular consequence: missense variant.
Genome position (GRCh38, 1-based): chr3:52,403,886, C>T on the plus strand (G>A on the coding strand, the complement: BAP1 is on the minus strand). VCF-style: chr3-52403886-C-T. GRCh37 (hg19) VCF-style: chr3-52437902-C-T.
Other names: short protein forms G420E.
Identifiers: ClinVar variation 1410889 (VCV001410889.3), dbSNP rs763789102, ClinGen allele CA2436839.
Genomic context (GRCh38, chr3:52,403,886, plus strand): 5'-AGCACTGACAGTTGCCCATCAGCAGAACCGCTCAATGCCCCTGGCTTCCCTGTTCCCTTC[C>T]CCTTATACCTGTGGGGCCCGAGAAGATGTGAAGCAAGGGAACGGGCCAGGTGACCATACC-3'
Protein context (NP_004647.1, residues 410-430): QNTNSALRYK[Gly420Glu]KGTGKPGALS

ClinVar aggregate classification (germline): Uncertain significance (1 of 4 stars; one submission).

Conditions:
BAP1-related tumor predisposition syndrome (TPDS1). Also called: BAP1 tumor predisposition syndrome; Tumor susceptibility linked to germline BAP1 mutations; TUMOR PREDISPOSITION SYNDROME 1; COMMON Syndrome. Identifiers: Orphanet 289539, MedGen C3280492, MONDO:0013692, OMIM 614327.

Allele frequency attached by ClinVar (database versions not stated): gnomAD exomes 0.00001 and 0.00002; ExAC 0.00002.
gnomAD v4.1: 12 of 1,614,050 alleles (0.00074%); highest among the groups gnomAD compares: South Asian, 0.012%; no homozygotes.

Submission:

Labcorp Genetics (formerly Invitae), Labcorp
Classification: Uncertain significance for BAP1-related tumor predisposition syndrome. Last evaluated: 2021-10-05. Review status: criteria provided, single submitter. Criteria: Invitae Variant Classification Sherloc (09022015). Collection method: clinical testing. Allele origin: germline.
Comment: This sequence change replaces glycine with glutamic acid at codon 420 of the BAP1 protein (p.Gly420Glu). The glycine residue is weakly conserved and there is a moderate physicochemical difference between glycine and glutamic acid. This variant is present in population databases (rs763789102, ExAC 0.01%). This variant has not been reported in the literature in individuals affected with BAP1-related conditions. Algorithms developed to predict the effect of missense changes on protein structure and function (SIFT, PolyPhen-2, Align-GVGD) all suggest that this variant is likely to be tolerated. In summary, the available evidence is currently insufficient to determine the role of this variant in disease. Therefore, it has been classified as a Variant of Uncertain Significance.